The following is an entry in ClinVar:

NM_003477.3(PDHX):c.248C>T (p.Ala83Val)

Gene: PDHX (pyruvate dehydrogenase complex component X; plus strand). Cytogenetic location: 11p13.
Variant type: single nucleotide variant.
Coding change: c.248C>T on transcript NM_003477.3 (MANE Select); coding-DNA position 248, C replaced by T.
Protein change: p.Ala83Val; replaces alanine 83 with valine.
Molecular consequence: missense variant.
Genome position (GRCh38, 1-based): chr11:34,947,512, C>T. VCF-style: chr11-34947512-C-T. GRCh37 (hg19) VCF-style: chr11-34969059-C-T.
Other names: c.68C>T, p.Ala23Val (NM_001135024.2); c.248C>T, p.Ala83Val (NM_001166158.2); short protein forms A23V, A83V.
Identifiers: ClinVar variation 1331339 (VCV001331339.3), dbSNP rs745866603, ClinGen allele CA5945809.

ClinVar aggregate classification (germline): Uncertain significance. Review status: criteria provided, multiple submitters, no conflicts (2 of 4 stars). 2 submissions from 2 submitters: Uncertain significance (2). Last evaluated 2022-02-22.

Allele frequency attached by ClinVar (database versions not stated): gnomAD exomes 0.00001; ExAC 0.00002; gnomAD 0.00003 and 0.00004; TOPMed 0.00005.
gnomAD v4.1: 13 of 1,609,372 alleles (0.00081%); highest among the groups gnomAD compares: African/African-American, 0.0094%; no homozygotes.

Submissions (2):

Women's Health and Genetics/Laboratory Corporation of America, LabCorp
Classification: Uncertain significance. Last evaluated: 2022-02-22. Review status: criteria provided, single submitter. Criteria: LabCorp Variant Classification Summary - May 2015. Collection method: clinical testing. Allele origin: germline.
Comment: Variant summary: PDHX c.248C>T (p.Ala83Val) results in a non-conservative amino acid change located in the 2-oxo acid dehydrogenase, lipoyl-binding site (IPR003016) of the encoded protein sequence. Three of five in-silico tools predict a damaging effect of the variant on protein function. The variant allele was found at a frequency of 1.2e-05 in 251326 control chromosomes (gnomAD). The available data on variant occurrences in the general population are insufficient to allow any conclusion about variant significance. To our knowledge, no occurrence of c.248C>T in individuals affected with Pyruvate Dehydrogenase E3-Binding Protein Deficiency and no experimental evidence demonstrating its impact on protein function have been reported. One ClinVar submitters has assessed the variant since 2014: the variant was classified as of uncertain significance. Based on the evidence outlined above, the variant was classified as uncertain significance.

GeneDx
Classification: Uncertain significance. Last evaluated: 2021-06-30. Review status: criteria provided, single submitter. Criteria: GeneDx Variant Classification Process June 2021. Collection method: clinical testing. Allele origin: germline. Affected: yes.